The following is an entry in ClinVar:

ClinVar aggregate classification (germline): Uncertain significance (1 of 4 stars; one submission).

Allele frequency attached by ClinVar (database versions not stated): gnomAD 0.00001; gnomAD exomes 0.00001 and 0.00003; TOPMed 0.00002; ExAC 0.00004.
gnomAD v4.1: 10 of 1,613,700 alleles (0.00062%); highest among the groups gnomAD compares: East Asian, 0.0067%; no homozygotes.

Submission:

Labcorp Genetics (formerly Invitae), Labcorp
Classification: Uncertain significance. Last evaluated: 2024-12-07. Review status: criteria provided, single submitter. Criteria: Invitae Variant Classification Sherloc (09022015). Collection method: clinical testing. Allele origin: germline.
Comment: This sequence change replaces arginine, which is basic and polar, with glutamine, which is neutral and polar, at codon 1064 of the CYFIP2 protein (p.Arg1064Gln). This variant is present in population databases (rs776107230, gnomAD 0.01%). This variant has not been reported in the literature in individuals affected with CYFIP2-related conditions. ClinVar contains an entry for this variant (Variation ID: 1354740). Experimental studies and prediction algorithms are not available or were not evaluated, and the functional significance of this variant is currently unknown. In summary, the available evidence is currently insufficient to determine the role of this variant in disease. Therefore, it has been classified as a Variant of Uncertain Significance.

NM_001037333.3(CYFIP2):c.3191G>A (p.Arg1064Gln)

Genes: CYFIP2 (cytoplasmic FMR1 interacting protein 2; plus strand), NIPAL4-DT (NIPAL4 divergent transcript; minus strand). Cytogenetic location: 5q33.3.
Variant type: single nucleotide variant.
Coding change: c.3191G>A on transcript NM_001037333.3 (MANE Select); coding-DNA position 3191, G replaced by A.
Protein change: p.Arg1064Gln; replaces arginine 1064 with glutamine.
Molecular consequence: missense variant.
Genome position (GRCh38, 1-based): chr5:157,383,343, G>A. VCF-style: chr5-157383343-G-A. GRCh37 (hg19) VCF-style: chr5-156810351-G-A.
Other names: c.3113G>A, p.Arg1038Gln (NM_001291721.2); c.3266G>A, p.Arg1089Gln (NM_001291722.2); c.3191G>A, p.Arg1064Gln (NM_014376.4); short protein forms R1038Q, R1064Q, R1089Q.
Identifiers: ClinVar variation 1354740 (VCV001354740.6), dbSNP rs776107230, ClinGen allele CA3534269.